The following is an entry in ClinVar:

NM_007294.4(BRCA1):c.4097-20_4134del

Gene: BRCA1 (BRCA1 DNA repair associated; minus strand). Cytogenetic location: 17q21.31.
Variant type: Deletion.
Coding change: c.4097-20_4134del on transcript NM_007294.4 (MANE Select); 20 bases into the intron before coding-DNA position 4097 through coding-DNA position 4134, 58 bases deleted.
Molecular consequence: splice acceptor variant.
Genome position (GRCh38, 1-based): chr17:43,090,995-43,091,052, 58 bases deleted. GRCh37 (hg19): chr17:41,243,013-41,243,070.
Other names: c.4097-20_4134del58 (NM_007294.3); c.647-20_684del (NM_001408458.1, NM_001408469.1, NM_001408453.1 and 11 more transcripts); c.3209-20_3246del (NM_001407967.1, NM_001407966.1); c.3716-20_3753del (NM_001407959.1, NM_001407963.1, NM_001407960.1); c.3830-20_3867del (NM_001407931.1, NM_001407932.1, NM_001407934.1 and 2 more transcripts); c.3953-20_3990del (NM_001407747.1, NM_001407848.1, NM_001407839.1 and 20 more transcripts); c.3713-20_3750del (NM_001407962.1); c.284-20_321del (NM_001408512.1); and 42 more.
Identifiers: ClinVar variation 963264 (VCV000963264.13), dbSNP rs2053440925, ClinGen allele CA1139665602.

ClinVar aggregate classification (germline): Likely pathogenic. Review status: criteria provided, multiple submitters, no conflicts (2 of 4 stars). 3 submissions from 3 submitters: Likely pathogenic (3). Last evaluated 2025-04-24.

Conditions:
Hereditary cancer-predisposing syndrome. Also called: Tumor predisposition; Hereditary neoplastic syndrome; Hereditary Cancer Syndrome; Neoplastic Syndromes, Hereditary. Identifiers: Orphanet 140162, MedGen C0027672, MeSH D009386, MONDO:0015356.
Hereditary breast ovarian cancer syndrome. Also called: BRCA1- and BRCA2-Associated Hereditary Breast and Ovarian Cancer; Hereditary breast and ovarian cancer; Hereditary breast and/or ovarian cancer syndrome; Hereditary breast and ovarian cancer syndrome; Hereditary breast and ovarian cancer syndrome (HBOC); Breast and ovarian cancer. Identifiers: Orphanet 145, MedGen C0677776, MeSH D061325, MONDO:0003582. Disease mechanism: loss of function.

Submissions (3):

Labcorp Genetics (formerly Invitae), Labcorp
Classification: Likely pathogenic for Hereditary breast ovarian cancer syndrome. Last evaluated: 2025-04-24. Review status: criteria provided, single submitter. Criteria: Invitae Variant Classification Sherloc (09022015). Collection method: clinical testing. Allele origin: germline.
Comment: This variant results in the deletion of part of exon 11 (c.4097-20_4134del) of the BRCA1 gene. RNA analysis indicates that this variant induces altered splicing and may result in an absent or altered protein product. This variant is not present in population databases (gnomAD no frequency). This variant has not been reported in the literature in individuals affected with BRCA1-related conditions. ClinVar contains an entry for this variant (Variation ID: 963264). Studies have shown that this variant results in activation of a cryptic splice site, and produces a non-functional protein and/or introduces a premature termination codon (internal data). In summary, the currently available evidence indicates that the variant is pathogenic, but additional data are needed to prove that conclusively. Therefore, this variant has been classified as Likely Pathogenic.

Quest Diagnostics Nichols Institute San Juan Capistrano
Classification: Likely pathogenic. Last evaluated: 2023-05-09. Review status: criteria provided, single submitter. Criteria: Quest Diagnostics criteria. Collection method: clinical testing. Allele origin: unknown.
Comment: This variant disrupts a canonical splice-acceptor site and is predicted to interfere with normal BRCA1 mRNA splicing. The variant has not been reported in individuals with BRCA1-related diseases in the published literature. It also has not been reported in large, multi-ethnic general populations. Based on the available information, this variant is classified as likely pathogenic.

Ambry Genetics
Classification: Likely pathogenic for Hereditary cancer-predisposing syndrome. Last evaluated: 2022-10-12. Review status: criteria provided, single submitter. Criteria: Ambry Variant Classification Scheme 2023. Collection method: clinical testing. Allele origin: germline.
Comment: The c.4097-20_4134del58 variant results from a deletion of 58 nucleotides between positions c.4097-20 and c.4134 and involves the canonical splice acceptor site before coding exon 10 of the BRCA1 gene. The canonical splice acceptor site is well conserved in available vertebrate species. In silico splice site analysis predicts that this alteration will weaken the native splice acceptor site. RNA studies have demonstrated that this alteration results in abnormal splicing in the set of samples tested (Ambry internal data). Alterations that disrupt the canonical splice site are expected to cause aberrant splicing, resulting in an abnormal protein or a transcript that is subject to nonsense-mediated mRNA decay. As such, this alteration is classified as likely pathogenic.